The following is an entry in ClinVar:

NM_001003800.2(BICD2):c.606+111A>C

Gene: BICD2 (BICD cargo adaptor 2; minus strand). Cytogenetic location: 9q22.31.
Variant type: single nucleotide variant.
Coding change: c.606+111A>C on transcript NM_001003800.2 (MANE Select); 111 bases into the intron after coding-DNA position 606, A replaced by C.
Molecular consequence: intron variant.
Genome position (GRCh38, 1-based): chr9:92,722,545, T>G on the plus strand (A>C on the coding strand, the complement: BICD2 is on the minus strand). VCF-style: chr9-92722545-T-G. GRCh37 (hg19) VCF-style: chr9-95484827-T-G.
Other names: c.606+111A>C (NM_015250.4).
Identifiers: ClinVar variation 674485 (VCV000674485.1), dbSNP rs139023495, ClinGen allele CA196342568.

ClinVar aggregate classification (germline): Likely benign (1 of 4 stars; one submission).

Allele frequency attached by ClinVar (database versions not stated): 1000 Genomes Project 30x 0.00500; 1000 Genomes Project 0.00539; gnomAD 0.01059 and 0.01081; TOPMed 0.01063; gnomAD exomes 0.01553.
gnomAD v4.1: 21,373 of 1,428,166 alleles (1.5%); highest among the groups gnomAD compares: Non-Finnish European, 1.7%; 185 homozygotes.

Submission:

GeneDx
Classification: Likely benign. Last evaluated: 2018-06-16. Review status: criteria provided, single submitter. Criteria: GeneDx Variant Classification (06012015). Collection method: clinical testing. Allele origin: germline. Affected: yes.
Comment: This variant is considered likely benign or benign based on one or more of the following criteria: it is a conservative change, it occurs at a poorly conserved position in the protein, it is predicted to be benign by multiple in silico algorithms, and/or has population frequency not consistent with disease.